The following is an entry in ClinVar:

ClinVar aggregate classification (germline): Uncertain significance (1 of 4 stars; one submission).

Submission:

GeneDx
Classification: Uncertain significance. Last evaluated: 2023-07-17. Review status: criteria provided, single submitter. Criteria: GeneDx Variant Classification Process June 2021. Collection method: clinical testing. Allele origin: germline. Affected: yes.
Comment: Not observed at significant frequency in large population cohorts (gnomAD); In silico analysis supports that this missense variant does not alter protein structure/function; Has not been previously published as pathogenic or benign to our knowledge

NM_014208.3(DSPP):c.551C>T (p.Pro184Leu)

Genes: DMP1-AS1 (DMP1 and DSPP antisense RNA 1; minus strand), DSPP (dentin sialophosphoprotein; plus strand). Cytogenetic location: 4q22.1.
Variant type: single nucleotide variant.
Coding change: c.551C>T on transcript NM_014208.3 (MANE Select); coding-DNA position 551, C replaced by T.
Protein change: p.Pro184Leu; replaces proline 184 with leucine.
Molecular consequence: missense variant.
Genome position (GRCh38, 1-based): chr4:87,612,737, C>T. VCF-style: chr4-87612737-C-T. GRCh37 (hg19) VCF-style: chr4-88533889-C-T.
Other names: short protein forms P184L.
Identifiers: ClinVar variation 3360472 (VCV003360472.1).